The following is an entry in ClinVar:

ClinVar aggregate classification (germline): Likely pathogenic (1 of 4 stars; one submission).

Conditions:
Infantile cerebral and cerebellar atrophy with postnatal progressive microcephaly (MSBA). Identifiers: Orphanet 402364, MedGen C3150921, MONDO:0013351, OMIM 613668.

Submission:

Natera, Inc.
Classification: Likely pathogenic for Postnatal progressive microcephaly with seizures and brain atrophy. Last evaluated: 2026-01-20. Review status: criteria provided, single submitter. Criteria: Natera Variant Classification Schema (03/2026). Collection method: clinical testing. Allele origin: germline.
Comment: The c.418-1_418del variant in MED17 is a canonical splice acceptor site variant predicted to affect pre-mRNA splicing, which may result in an abnormal transcript and altered protein product. This variant is expected to result in nonsense mediated decay, truncation, or a dysfunctional protein product. This variant is rare in the general population with a frequency below the threshold expected for the associated phenotype(s). Given the available evidence, this variant is classified as Likely Pathogenic.

NM_004268.5(MED17):c.418-1_418del

Gene: MED17 (mediator complex subunit 17; plus strand). Cytogenetic location: 11q21.
Variant type: Deletion.
Coding change: c.418-1_418del on transcript NM_004268.5 (MANE Select); the canonical splice acceptor site of the intron before coding-DNA position 418 through coding-DNA position 418, 2 bases deleted (GA; older notation c.418-1_418delGA).
Molecular consequence: splice acceptor variant.
Genome position (GRCh38, 1-based): chr11:93,790,573-93,790,574, GA deleted; deleting any 2 consecutive bases within chr11:93,790,572-93,790,574 gives the same sequence; the c. name uses the placement nearest the transcript's 3' end. VCF-style (leftmost placement, unchanged base first): chr11-93790571-CAG-C. GRCh37 (hg19) VCF-style: chr11-93523737-CAG-C.
Identifiers: ClinVar variation 4815335 (VCV004815335.1).